The following is an entry in ClinVar:

NM_001128840.3(CACNA1D):c.6323A>G (p.Asn2108Ser)

Gene: CACNA1D (calcium voltage-gated channel subunit alpha1 D; plus strand). Cytogenetic location: 3p21.1.
Variant type: single nucleotide variant.
Coding change: c.6323A>G on transcript NM_001128840.3 (MANE Select); coding-DNA position 6323, A replaced by G.
Protein change: p.Asn2108Ser; replaces asparagine 2108 with serine.
Molecular consequence: missense variant.
Genome position (GRCh38, 1-based): chr3:53,811,243, A>G. VCF-style: chr3-53811243-A-G. GRCh37 (hg19) VCF-style: chr3-53845270-A-G.
Other names: c.6383A>G, p.Asn2128Ser (NM_000720.4); c.6251A>G, p.Asn2084Ser (NM_001128839.3); short protein forms N2084S, N2108S, N2128S.
Identifiers: ClinVar variation 3007909 (VCV003007909.3), dbSNP rs2474578725, ClinGen allele CA353259248.
Genomic context (GRCh38, chr3:53,811,243, plus strand): 5'-TCGCTGATGCCTGTGACCTCACCATCGACGAGATGGAGAGTGCAGCCAGCACCCTGCTTA[A>G]TGGGAACGTGCGTCCCCGAGCCAACGGGGATGTGGGCCCCCTCTCACACCGGCAGGACTA-3'
Protein context (NP_001122312.1, residues 2098-2118): EMESAASTLL[Asn2108Ser]GNVRPRANGD

ClinVar aggregate classification (germline): Uncertain significance (1 of 4 stars; one submission).

Allele frequency attached by ClinVar (database versions not stated): gnomAD exomes below 0.00001.
gnomAD v4.1: 1 of 1,614,044 alleles (0.000062%); highest among the groups gnomAD compares: Non-Finnish European, 0.000085%; no homozygotes.

Submission:

Labcorp Genetics (formerly Invitae), Labcorp
Classification: Uncertain significance. Last evaluated: 2023-12-04. Review status: criteria provided, single submitter. Criteria: Invitae Variant Classification Sherloc (09022015). Collection method: clinical testing. Allele origin: germline.
Comment: This sequence change replaces asparagine, which is neutral and polar, with serine, which is neutral and polar, at codon 2128 of the CACNA1D protein (p.Asn2128Ser). This variant is not present in population databases (gnomAD no frequency). This variant has not been reported in the literature in individuals affected with CACNA1D-related conditions. An algorithm developed to predict the effect of missense changes on protein structure and function (PolyPhen-2) suggests that this variant is likely to be tolerated. In summary, the available evidence is currently insufficient to determine the role of this variant in disease. Therefore, it has been classified as a Variant of Uncertain Significance.